The following is an entry in ClinVar:

NM_018076.5(ODAD2):c.1345T>G (p.Ser449Ala)

Gene: ODAD2 (outer dynein arm docking complex subunit 2; minus strand). Cytogenetic location: 10p12.1.
Variant type: single nucleotide variant.
Coding change: c.1345T>G on transcript NM_018076.5 (MANE Select); coding-DNA position 1345, T replaced by G.
Protein change: p.Ser449Ala; replaces serine 449 with alanine.
Molecular consequence: missense variant. On other transcripts: 5 prime UTR variant (1).
Genome position (GRCh38, 1-based): chr10:27,961,609, A>C on the plus strand (T>G on the coding strand, the complement: ODAD2 is on the minus strand). VCF-style: chr10-27961609-A-C. GRCh37 (hg19) VCF-style: chr10-28250538-A-C.
Other names: c.1345T>G, p.Ser449Ala (NM_001290020.2); c.-81T>G (NM_001290021.2); c.421T>G, p.Ser141Ala (NM_001312689.2); short protein forms S449A, S141A.
Identifiers: ClinVar variation 834792 (VCV000834792.1), dbSNP rs1848145701, ClinGen allele CA376394700.

ClinVar aggregate classification (germline): Uncertain significance (1 of 4 stars; one submission).

Conditions:
Primary ciliary dyskinesia 23 (CILD23). Also called: CILIARY DYSKINESIA, PRIMARY, 23, WITH OR WITHOUT SITUS INVERSUS. Identifiers: Orphanet 244, MedGen C3809548, MONDO:0014193, OMIM 615451.

Submission:

Labcorp Genetics (formerly Invitae), Labcorp
Classification: Uncertain significance for Primary ciliary dyskinesia 23. Last evaluated: 2019-03-12. Review status: criteria provided, single submitter. Criteria: Invitae Variant Classification Sherloc (09022015). Collection method: clinical testing. Allele origin: germline.
Comment: This sequence change replaces serine with alanine at codon 449 of the ARMC4 protein (p.Ser449Ala). The serine residue is moderately conserved and there is a moderate physicochemical difference between serine and alanine. This variant is not present in population databases (ExAC no frequency). This variant has not been reported in the literature in individuals with ARMC4-related conditions. Algorithms developed to predict the effect of missense changes on protein structure and function (SIFT, PolyPhen-2, Align-GVGD) all suggest that this variant is likely to be tolerated, but these predictions have not been confirmed by published functional studies and their clinical significance is uncertain. In summary, the available evidence is currently insufficient to determine the role of this variant in disease. Therefore, it has been classified as a Variant of Uncertain Significance.